The following is an entry in ClinVar:

ClinVar aggregate classification (germline): Benign (1 of 4 stars; one submission).

Allele frequency attached by ClinVar (database versions not stated): ESP Exome Variant Server 0.00041; 1000 Genomes Project 30x 0.00141; 1000 Genomes Project 0.00419.
gnomAD v4.1: 277 of 1,583,168 alleles (0.017%); highest among the groups gnomAD compares: African/African-American, 0.2%; 36 homozygotes.

Submission:

CeGaT Center for Human Genetics Tuebingen
Classification: Benign. Last evaluated: 2022-04-01. Review status: criteria provided, single submitter. Criteria: CeGaT Center For Human Genetics Tuebingen Variant Classification Criteria Version 2. Collection method: clinical testing. Allele origin: germline. Affected: yes. Observed: 3 variant alleles.
Comment: AHNAK2: BS1, BS2

NM_138420.4(AHNAK2):c.5403C>T (p.Asp1801=)

Gene: AHNAK2 (AHNAK nucleoprotein 2; minus strand). Cytogenetic location: 14q32.33.
Variant type: single nucleotide variant.
Coding change: c.5403C>T on transcript NM_138420.4 (MANE Select); coding-DNA position 5403, C replaced by T.
Protein change: p.Asp1801=; no amino-acid change (aspartic acid 1801 retained).
Molecular consequence: synonymous variant.
Genome position (GRCh38, 1-based): chr14:104,950,048, G>A on the plus strand (C>T on the coding strand, the complement: AHNAK2 is on the minus strand). VCF-style: chr14-104950048-G-A. GRCh37 (hg19) VCF-style: chr14-105416385-G-A.
Other names: c.5103C>T, p.Asp1701= (NM_001350929.2).
Identifiers: ClinVar variation 2644798 (VCV002644798.24), dbSNP rs200413532, ClinGen allele CA7381787.